The following is an entry in ClinVar:

ClinVar aggregate classification (germline): Uncertain significance (1 of 4 stars; one submission).

Submission:

CeGaT Center for Human Genetics Tuebingen
Classification: Uncertain significance. Last evaluated: 2024-03-01. Review status: criteria provided, single submitter. Criteria: CeGaT Center For Human Genetics Tuebingen Variant Classification Criteria Version 2. Collection method: clinical testing. Allele origin: germline. Affected: yes. Observed: 1 variant allele.
Comment: TRAPPC11: PM2

NM_021942.6(TRAPPC11):c.178C>G (p.His60Asp)

Gene: TRAPPC11 (trafficking protein particle complex subunit 11; plus strand). Cytogenetic location: 4q35.1.
Variant type: single nucleotide variant.
Coding change: c.178C>G on transcript NM_021942.6 (MANE Select); coding-DNA position 178, C replaced by G.
Protein change: p.His60Asp; replaces histidine 60 with aspartic acid.
Molecular consequence: missense variant.
Genome position (GRCh38, 1-based): chr4:183,664,045, C>G. VCF-style: chr4-183664045-C-G. GRCh37 (hg19) VCF-style: chr4-184585198-C-G.
Other names: c.178C>G, p.His60Asp (NM_199053.3); short protein forms H60D.
Identifiers: ClinVar variation 3067712 (VCV003067712.21), dbSNP rs2477068176, ClinGen allele CA358858600.
Genomic context (GRCh38, chr4:183,664,045, plus strand): 5'-TTCTGTGCAAATCGGAGAGCTGATCGAGTACCAATTTCTTTCAAGGTGCTCCCAGGTGAC[C>G]ATGAGTATCCCAAATGTAGACCCAAGGTAATGGCATTGTGATGGCATGTGTTCTTTCCTT-3'
Protein context (NP_068761.4, residues 50-70): PISFKVLPGD[His60Asp]EYPKCRPKRT